The following is an entry in ClinVar:

ClinVar aggregate classification (germline): Benign. Review status: criteria provided, multiple submitters, no conflicts (2 of 4 stars). 2 submissions from 2 submitters: Benign (2). Last evaluated 2018-01-12.

Conditions:
Polydactyly of a triphalangeal thumb. Also called: POLYDACTYLY OF TRIPHALANGEAL THUMB; TRIPHALANGEAL THUMB-POLYDACTYLY SYNDROME; Polydactyly, preaxial type II. Identifiers: Orphanet 2439, Orphanet 2950, Orphanet 93336, MedGen C1868114, MONDO:0008270, OMIM 174500.

Allele frequency attached by ClinVar (database versions not stated): gnomAD 0.00009 and 0.00022; TOPMed 0.00012; 1000 Genomes Project 30x 0.00047; 1000 Genomes Project 0.00060.

Submissions (2):

Illumina Laboratory Services, Illumina
Classification: Benign for Polydactyly of a triphalangeal thumb. Last evaluated: 2018-01-12. Review status: criteria provided, single submitter. Criteria: ICSL Variant Classification Criteria 13 December 2019. Collection method: clinical testing. Allele origin: germline.
Comment: This variant was observed in the ICSL laboratory as part of a predisposition screen in an ostensibly healthy population. It had not been previously curated by ICSL or reported in the Human Gene Mutation Database (HGMD: prior to June 1st, 2018), and was therefore a candidate for classification through an automated scoring system. Utilizing variant allele frequency, disease prevalence and penetrance estimates, and inheritance mode, an automated score was calculated to assess if this variant is too frequent to cause the disease. Based on the score and internal cut-off values, a variant classified as benign is not then subjected to further curation. The score for this variant resulted in a classification of benign for this disease.

Breakthrough Genomics
Classification: Benign. Review status: criteria provided, single submitter. Criteria: ACMG Guidelines, 2015. Collection method: not provided. Allele origin: germline. Inheritance: Autosomal recessive inheritance. Affected: yes.

NM_022458.4(LMBR1):c.*1470G>A

Gene: LMBR1 (limb development membrane protein 1; minus strand). Cytogenetic location: 7q36.3.
Variant type: single nucleotide variant.
Coding change: c.*1470G>A on transcript NM_022458.4 (MANE Select); 1470 bases downstream of the stop codon, G replaced by A.
Molecular consequence: 3 prime UTR variant. On other transcripts: non-coding transcript variant (2).
Genome position (GRCh38, 1-based): chr7:156,682,608, C>T on the plus strand (G>A on the coding strand, the complement: LMBR1 is on the minus strand). VCF-style: chr7-156682608-C-T. GRCh37 (hg19) VCF-style: chr7-156475302-C-T.
Other names: c.*1470G>A (NM_001350953.2, NM_001350954.2, NM_001350955.2 and 8 more transcripts).
Identifiers: ClinVar variation 359398 (VCV000359398.6), dbSNP rs549976103, ClinGen allele CA10628538.